The following continues an entry in ClinVar:

NM_000059.4(BRCA2):c.7069_7070del (p.Leu2357fs)

Gene: BRCA2. ClinVar aggregate classification (germline): Pathogenic. Pathogenic (1).

Submissions 39 to 53 of 53:

Geisinger Autism and Developmental Medicine Institute, Geisinger Health System
Classification: Pathogenic for Breast-ovarian cancer, familial, susceptibility to, 2. Last evaluated: 2017-06-11. Review status: criteria provided, single submitter. Criteria: ACMG Guidelines, 2015. Collection method: provider interpretation, clinical testing. Allele origin: maternal. Affected: no. Observed: 1 variant allele. Not counted in ClinVar's aggregate classification.
Comment: The c.7069_7070delCT pathogenic variant in the BRCA2 gene, previously reported as 7297delCT using alternate nomenclature, has been published in association with early-onset breast cancer, ovarian cancer, and prostate cancer (Garvin et al., 1997; Zhang et al., 2011; Cunningham et al., 2014; Song et al., 2014; Ellingson et al., 2015; Decker et al., 2016). The deletion causes a frameshift and is predicted to cause loss of normal protein function through either protein truncation or nonsense-mediated mRNA decay. The patient's mother has not been formally evaluated in the oncology setting, so her current status is unknown.

Genologica Medica
Classification: Pathogenic for Breast-ovarian cancer, familial, susceptibility to, 2. Last evaluated: 2017-01-01. Review status: criteria provided, single submitter. Criteria: ACMG Guidelines, 2015. Collection method: clinical testing. Allele origin: germline. Affected: yes. Not counted in ClinVar's aggregate classification.

Consortium of Investigators of Modifiers of BRCA1/2 (CIMBA), c/o University of Cambridge
Classification: Pathogenic for Breast-ovarian cancer, familial, susceptibility to, 2. Last evaluated: 2015-10-02. Review status: criteria provided, single submitter. Criteria: CIMBA Mutation Classification guidelines May 2016. Collection method: clinical testing. Allele origin: germline. Not counted in ClinVar's aggregate classification.

Clinical Genetics DNA and cytogenetics Diagnostics Lab, Erasmus MC, Erasmus Medical Center
Classification: Pathogenic for Breast-ovarian cancer, familial, susceptibility to, 2. Last evaluated: 2015-09-21. Review status: criteria provided, single submitter. Criteria: ACGS Guidelines, 2013. Collection method: clinical testing. Allele origin: germline. Affected: yes. Study: VKGL Data-share Consensus. Not counted in ClinVar's aggregate classification.

Department of Medical Genetics, Oslo University Hospital
Classification: Pathogenic for Breast-ovarian cancer, familial, susceptibility to, 2. Last evaluated: 2015-07-01. Review status: criteria provided, single submitter. Criteria: ACMG Guidelines, 2015. Collection method: clinical testing. Allele origin: germline. Affected: yes. Observed: 3 variant alleles. Not counted in ClinVar's aggregate classification.

Molecular Genetics Laboratory, University of Michigan
Classification: Pathogenic for Breast-ovarian cancer, familial, susceptibility to, 2. Last evaluated: 2014-11-03. Review status: criteria provided, single submitter. Criteria: ACMG Guidelines, 2015. Collection method: clinical testing. Allele origin: germline. Affected: yes. Not counted in ClinVar's aggregate classification.

University Health Network, Familial Cancer Clinic, Princess Margaret Cancer Centre
Classification: Pathogenic for BRCA2-related cancer predisposition. Review status: criteria provided, single submitter. Criteria: ACMG Guidelines, 2015. Collection method: clinical testing. Allele origin: germline. Inheritance: Autosomal dominant inheritance. Affected: yes. Observed: 1 variant allele. Not counted in ClinVar's aggregate classification.

BRCAlab, Lund University
Classification: Pathogenic for Breast-ovarian cancer, familial, susceptibility to, 2. Last evaluated: 2020-03-02. Review status: no assertion criteria provided. Collection method: clinical testing. Allele origin: germline. Affected: yes. Not counted in ClinVar's aggregate classification.

Counsyl
Classification: Pathogenic for Breast-ovarian cancer, familial, susceptibility to, 2. Last evaluated: 2016-02-04. Review status: no assertion criteria provided. Collection method: clinical testing. Allele origin: unknown. Not counted in ClinVar's aggregate classification.

Research Molecular Genetics Laboratory, Women's College Hospital, University of Toronto
Classification: Pathogenic for Hereditary breast ovarian cancer syndrome. Last evaluated: 2014-01-31. Review status: no assertion criteria provided. Collection method: research. Allele origin: germline. Affected: yes. Study: The Canadian Open Genetics Repository (COGR). Not counted in ClinVar's aggregate classification.

Sharing Clinical Reports Project (SCRP)
Classification: Pathogenic for Breast-ovarian cancer, familial 2. Last evaluated: 2013-04-23. Review status: no assertion criteria provided. Collection method: clinical testing. Allele origin: germline. Not counted in ClinVar's aggregate classification.

Breast Cancer Information Core (BIC) (BRCA2)
Classification: Pathogenic for Breast-ovarian cancer, familial 2. Last evaluated: 2002-05-29. Review status: no assertion criteria provided. Collection method: clinical testing. Allele origin: germline. Affected: yes. Observed: 31 variant alleles. Not counted in ClinVar's aggregate classification.

Clinical Genetics Laboratory, Department of Pathology, Netherlands Cancer Institute
Classification: Pathogenic. Review status: no assertion criteria provided. Collection method: clinical testing. Allele origin: germline. Affected: yes. Study: VKGL Data-share Consensus. Not counted in ClinVar's aggregate classification.

Department of Pathology and Laboratory Medicine, Sinai Health System
Classification: Pathogenic for Malignant tumor of breast. Review status: no assertion criteria provided. Collection method: clinical testing. Allele origin: unknown. Affected: yes. Study: The Canadian Open Genetics Repository (COGR). Not counted in ClinVar's aggregate classification.
Comment: The BRCA2 p.Leu2357ValfsX2 variant was identified in 2 of 2856 proband chromosomes (frequency: 0.001) from individuals or families with Breast and/or Ovarian cancer (Garvin, 1997; Zhang, 2011). The variant was also identified in dbSNP (ID: rs80359636) â€šÃ„ÃºWith pathogenic alleleâ€šÃ„Ã¹, HGMD, LOVD, ClinVar database, the BIC database (31X with Important clinical importance), and UMD (34X as a class 5-causal variant). The variant was classified as a pathogenic variant by the Sharing Clinical Reports Project (SCRP) (submitted within the ClinVar database and derived from Myriad reports). The p.Leu2357ValfsX2 deletion variant is predicted to cause a frameshift, which alters the protein's amino acid sequence beginning at codon 2357 and leads to a premature stop codon 2 codons downstream. This alteration is then predicted to result in a truncated or absent protein and loss of function. Loss of function variants of the BRCA2 gene are an established mechanism of disease in hereditary breast and ovarian cancer and is the type of variant expected to cause the disorder. In summary, based on the above information, this variant meets our laboratoryâ€šÃ„Ã´s criteria to be classified as pathogenic.

Diagnostic Laboratory, Department of Genetics, University Medical Center Groningen
Classification: Pathogenic for Breast-ovarian cancer, familial, susceptibility to, 2. Review status: no assertion criteria provided. Collection method: clinical testing. Allele origin: germline. Affected: yes. Study: VKGL Data-share Consensus. Not counted in ClinVar's aggregate classification.

Literature cited by the submitters: PubMed 18465347 (cited by 4 submitters); PubMed 20104584 (cited by 8 submitters); PubMed 9429140 (cited by 7 submitters); PubMed 21324516 (cited by 9 submitters); PubMed 24504028 (cited by 6 submitters); PubMed 24728189 (cited by 6 submitters); PubMed 16199546 (cited by Dasa); PubMed 17063271 (cited by Dasa); PubMed 25632310 (cited by Dasa); PubMed 29084914 (cited by 3 submitters); PubMed 29339979 (cited by 3 submitters); PubMed 30322717 (cited by Mayo Clinic Laboratories, Mayo Clinic and Quest Diagnostics Nichols Institute San Juan Capistrano); PubMed 31263571 (cited by 3 submitters); PubMed 31432501 (cited by 3 submitters); PubMed 31948886 (cited by Mayo Clinic Laboratories, Mayo Clinic and Quest Diagnostics Nichols Institute San Juan Capistrano); PubMed 9667259 (cited by 3 submitters); PubMed 16234499 (cited by 4 submitters); PubMed 18824701 (cited by 3 submitters); PubMed 21913181 (cited by 3 submitters); PubMed 24549055 (cited by 3 submitters); PubMed 27978560 (cited by 3 submitters); PubMed 31853058 (cited by Color Diagnostics, LLC DBA Color Health); PubMed 34700141 (cited by 3 submitters); PubMed 11836363 (cited by Ambry Genetics); PubMed 24830819 (cited by Ambry Genetics); PubMed 32002120 (cited by Ambry Genetics); PubMed 32923906 (cited by Ambry Genetics); PubMed 31447099 (cited by Quest Diagnostics Nichols Institute San Juan Capistrano); PubMed 32853339 (cited by Quest Diagnostics Nichols Institute San Juan Capistrano); PubMed 33087929 (cited by Quest Diagnostics Nichols Institute San Juan Capistrano); PubMed 26295337 (cited by Quest Diagnostics Nichols Institute San Juan Capistrano); PubMed 21120943 (cited by Laboratory for Molecular Medicine, Mass General Brigham Personalized Medicine); PubMed 23628597 (cited by Geisinger Autism and Developmental Medicine Institute, Geisinger Health System); PubMed 20587410 (cited by Geisinger Autism and Developmental Medicine Institute, Geisinger Health System); PubMed 18042939 (cited by Geisinger Autism and Developmental Medicine Institute, Geisinger Health System); PubMed 16141007 (cited by Geisinger Autism and Developmental Medicine Institute, Geisinger Health System); PubMed 19188187 (cited by Geisinger Autism and Developmental Medicine Institute, Geisinger Health System); PubMed 18855126 (cited by Geisinger Autism and Developmental Medicine Institute, Geisinger Health System); PubMed 22762150 (cited by Counsyl).